The following is an entry in ClinVar:

NM_000277.3(PAH):c.472C>T (p.Arg158Trp)

Gene: PAH (phenylalanine hydroxylase; minus strand). Cytogenetic location: 12q23.2.
Variant type: single nucleotide variant.
Coding change: c.472C>T on transcript NM_000277.3 (MANE Select); coding-DNA position 472, C replaced by T.
Protein change: p.Arg158Trp; replaces arginine 158 with tryptophan.
Molecular consequence: missense variant.
Genome position (GRCh38, 1-based): chr12:102,866,633, G>A on the plus strand (C>T on the coding strand, the complement: PAH is on the minus strand). VCF-style: chr12-102866633-G-A. GRCh37 (hg19) VCF-style: chr12-103260411-G-A.
Other names: NM_000277.2(PAH):c.472C>T; c.472C>T (NM_000277.2); c.472C>T, p.Arg158Trp (NM_001354304.2); short protein forms R158W.
Identifiers: ClinVar variation 102693 (VCV000102693.25), dbSNP rs75166491, ClinGen allele CA229570.

ClinVar aggregate classification (germline): Pathogenic. Review status: reviewed by expert panel (3 of 4 stars). 12 submissions from 12 submitters: Pathogenic (1). 11 of the submissions do not count toward it. Last evaluated 2018-08-10.

Conditions:
PAH-related disorder. Also called: PAH-related condition.
Phenylketonuria (PKU). Also called: Phenylketonurias; OLIGOPHRENIA PHENYLPYRUVICA; FOLLING DISEASE; Phenylketonuria (PKU). Identifiers: Orphanet 716, MedGen C0031485, MONDO:0009861, OMIM 261600. Disease mechanism: loss of function.

Allele frequency attached by ClinVar (database versions not stated): ExAC 0.00002; gnomAD exomes 0.00002 and 0.00003; gnomAD 0.00003 and 0.00004; TOPMed 0.00003; ESP Exome Variant Server 0.00015.
gnomAD v4.1: 32 of 1,613,628 alleles (0.002%); highest among the groups gnomAD compares: African/African-American, 0.008%; no homozygotes.

Submissions (12):

ClinGen PAH Variant Curation Expert Panel
Classification: Pathogenic for Phenylketonuria. Last evaluated: 2018-08-10. Review status: reviewed by expert panel. Criteria: ClinGen PAH ACMG Specifications v1. Collection method: curation. Allele origin: germline. Inheritance: Autosomal recessive inheritance.
Comment: PAH-specific ACMG/AMP criteria applied: PM2: Extremely low frequency. ExAC MAF=0.00019.; PP3: Predicted deleterious in SIFT, Polyphen-2, MutationTaster. REVEL=0.939; PS3: 2% mutant enzyme activity in BioPKU; PP4_Moderate: Detected in at least 3 patients with PAH deficiency. BH4 deficiency ruled out in 1 patient. (PMID:1307609; PMID:10429004; PMID:9634518); PM3_Strong: Detected with 3 pathogenic/likely pathogenic variants (PMID:14681498; PMID:23430918). In summary this variant meets criteria to be classified as pathogenic for phenylketonuria in an autosomal recessive manner based on the ACMG/AMP criteria applied as specified by the PAH Expert Panel: (PM2, PP3, PS3, PP4_Moderate, PM3_Strong).

Natera, Inc.
Classification: Pathogenic for Phenylketonuria. Last evaluated: 2025-04-25. Review status: criteria provided, single submitter. Criteria: Natera Variant Classification Schema (03/2026). Collection method: clinical testing. Allele origin: germline. Not counted in ClinVar's aggregate classification.
Comment: The c.472C>T variant in PAH is a missense variant predicted to cause substitution of arginine to tryptophan at amino acid 158. This variant is rare in the general population with a frequency below the threshold expected for the associated phenotype(s). This variant has been observed in one or more individuals affected with the associated recessive disease, as either homozygous or compound heterozygous with a second variant (PMID: 26322415, 34828281). Computational prediction algorithms indicate this variant is likely to affect gene or protein function. Given the available evidence, this variant is classified as Pathogenic.

Labcorp Genetics (formerly Invitae), Labcorp
Classification: Pathogenic for Phenylketonuria. Last evaluated: 2025-03-11. Review status: criteria provided, single submitter. Criteria: Invitae Variant Classification Sherloc (09022015). Collection method: clinical testing. Allele origin: germline. Not counted in ClinVar's aggregate classification.
Comment: This sequence change replaces arginine, which is basic and polar, with tryptophan, which is neutral and slightly polar, at codon 158 of the PAH protein (p.Arg158Trp). This variant is present in population databases (rs75166491, gnomAD 0.01%). This missense change has been observed in individual(s) with phenylketonuria (PKU) (PMID: 10356314, 14681498, 19609714, 20082265, 23430918, 24130151, 24941924, 25894915, 26666653). ClinVar contains an entry for this variant (Variation ID: 102693). Invitae Evidence Modeling of protein sequence and biophysical properties (such as structural, functional, and spatial information, amino acid conservation, physicochemical variation, residue mobility, and thermodynamic stability) indicates that this missense variant is expected to disrupt PAH protein function with a positive predictive value of 80%. This variant disrupts the p.Arg158 amino acid residue in PAH. Other variant(s) that disrupt this residue have been determined to be pathogenic (PMID: 2014036, 10479481, 23500595, 24368688, 25596310). This suggests that this residue is clinically significant, and that variants that disrupt this residue are likely to be disease-causing. For these reasons, this variant has been classified as Pathogenic.

Quest Diagnostics Nichols Institute San Juan Capistrano
Classification: Pathogenic. Last evaluated: 2023-09-27. Review status: criteria provided, single submitter. Criteria: Quest Diagnostics criteria. Collection method: clinical testing. Allele origin: unknown. Not counted in ClinVar's aggregate classification.
Comment: The PAH c.472C>T (p.Arg158Trp) variant has been reported in the published literature in individuals with phenylketonuria, whom were either compound heterozygous or homozygous for the variant (PMIDs: 23430918 (2012), 20082265 (2010), 10394930 (1999), 9634518 (1998)). Functional evidence suggests that this variant may impact protein function ( Phenylalanine Hydroxylase Gene Locus-Specific Database). Analysis of this variant using bioinformatics tools for the prediction of the effect of amino acid changes on protein structure and function yielded predictions that this variant is damaging. Based on the available information, this variant is classified as pathogenic.

Women's Health and Genetics/Laboratory Corporation of America, LabCorp
Classification: Pathogenic for Phenylketonuria. Last evaluated: 2022-08-08. Review status: criteria provided, single submitter. Criteria: LabCorp Variant Classification Summary - May 2015. Collection method: clinical testing. Allele origin: germline. Not counted in ClinVar's aggregate classification.
Comment: Variant summary: PAH c.472C>T (p.Arg158Trp) results in a non-conservative amino acid change located in the Aromatic amino acid hydroxylase, C-terminal domain (IPR019774) of the encoded protein sequence. Five of five in-silico tools predict a damaging effect of the variant on protein function. The variant allele was found at a frequency of 2.8e-05 in 251352 control chromosomes (gnomAD). c.472C>T has been reported in the literature in multiple compound heterozygous and homozygous individuals affected with Phenylalanine Hydroxylase Deficiency (Phenylketonuria) (Shintaku_2003, Santos__2010, Jeannesson-Thivisol_2015). These data indicate that the variant is very likely to be associated with disease. At least one functional study reports this variant effect results in <10% of normal activity (Danecka_2015). In addition, another variant (p.Arg158Gln) at the same residue was found in many individuals affected Phenylketonuria and has been classified as pathogenic at our laboratory, indicating the arginine residue is critical for protein function. Five ClinVar submitters (evaluation after 2014, including one expert panel, ClinGen PAH Variant Curation Expert Panel) cite the variant as pathogenic. Based on the evidence outlined above, the variant was classified as pathogenic.

Revvity Omics, Revvity
Classification: Pathogenic for Phenylketonuria. Last evaluated: 2022-01-12. Review status: criteria provided, single submitter. Criteria: ACMG Guidelines, 2015. Collection method: clinical testing. Allele origin: germline. Not counted in ClinVar's aggregate classification.

Blueprint Genetics
Classification: Pathogenic for PAH-related disorders. Last evaluated: 2021-12-22. Review status: criteria provided, single submitter. Criteria: ACMG Guidelines, 2015. Collection method: clinical testing. Allele origin: germline. Affected: yes. Observed: 3 variant alleles. Not counted in ClinVar's aggregate classification.

GeneDx
Classification: Pathogenic. Last evaluated: 2021-11-22. Review status: criteria provided, single submitter. Criteria: GeneDx Variant Classification Process June 2021. Collection method: clinical testing. Allele origin: germline. Affected: yes. Not counted in ClinVar's aggregate classification.
Comment: Reported homozygous in an individual with mild-moderate PKU (Jeannesson-Thivisol et al., 2015); however, this variant has also been identified in individuals with classic PKU (Yamashita et al., 1992; Bashyam et al., 2014; Jeannesson-Thivisol et al., 2015; Danecka et al., 2015); Published functional studies demonstrate p.(R158W) results in significantly reduced residual activity compared to wildtype (Danecka et al., 2015); In silico analysis supports that this missense variant has a deleterious effect on protein structure/function; This variant is associated with the following publications: (PMID: 25750018, 34828281, 29413232, 25087612, 25596310, 1307609, 26666653, 24130151, 29499199, 30747360, 30275481, 32668217, 32778825, 33375644, 17935162, 17924342)

Juno Genomics, Hangzhou Juno Genomics, Inc
Classification: Pathogenic for Phenylketonuria. Review status: criteria provided, single submitter. Criteria: ACMG Guidelines, 2015. Collection method: clinical testing. Allele origin: germline. Not counted in ClinVar's aggregate classification.
Comment: Absent from controls (or at extremely low frequency if recessive) in Genome Aggregation Database.;Well-established in vitro or in vivo functional studies supportive of a damaging effect on the gene or gene product.;For recessive disorders, detected in trans with a pathogenic variant.;Novel missense change at an amino acid residue where a different missense change determined to be pathogenic has been seen before.

Neuberg Centre For Genomic Medicine, NCGM
Classification: Pathogenic for Phenylketonuria. Review status: criteria provided, single submitter. Criteria: ACMG Guidelines, 2015. Collection method: clinical testing. Allele origin: germline. Inheritance: Autosomal recessive inheritance. Affected: yes. Not counted in ClinVar's aggregate classification.
Comment: The missense variant c.472C>T (p.Arg158Trp) in PAH gene has been reported as homozygous or in combination with another PAH variant in multiple individuals affected with phenylketonuria (Santos LL et.al.,2010). Functional analysis found that R158W is associated with 1.8% residual enzyme activity compared to wild type (Danecka et al.,2015). This variant has been reported to the ClinVar database as Pathogenic. The p.Arg158Trp variant is reported with allele frequency 0.003% in gnomAD exomes and novel in 1000 Genomes. The amino acid Arg at position 158 is changed to a Trp changing protein sequence and it might alter its composition and physico-chemical properties. The amino acid change p.Arg158Trp in PAH is predicted as conserved by GERP++ and PhyloP across 100 vertebrates. For these reasons, this variant has been classified as Pathogenic .

Counsyl
Classification: Pathogenic for Phenylketonuria. Last evaluated: 2016-01-21. Review status: no assertion criteria provided. Collection method: clinical testing. Allele origin: unknown. Not counted in ClinVar's aggregate classification.

DeBelle Laboratory for Biochemical Genetics, MUHC/MCH RESEARCH INSTITUTE
No classification provided. Review status: no classification provided. Collection method: not provided. Allele origin: not provided. Not counted in ClinVar's aggregate classification.

Literature cited by the submitters: PubMed 1307609 (cited by ClinGen PAH Variant Curation Expert Panel and Counsyl); PubMed 23430918 (cited by 4 submitters); PubMed 10429004 (cited by 3 submitters); PubMed 14681498 (cited by 4 submitters); PubMed 9634518 (cited by 3 submitters); PubMed 26322415 (cited by Natera, Inc.); PubMed 34828281 (cited by Natera, Inc.); PubMed 10356314 (cited by Labcorp Genetics (formerly Invitae), Labcorp and Counsyl); PubMed 19609714 (cited by Labcorp Genetics (formerly Invitae), Labcorp and Counsyl); PubMed 20082265 (cited by 4 submitters); PubMed 24130151 (cited by Labcorp Genetics (formerly Invitae), Labcorp and Counsyl); PubMed 24941924 (cited by Labcorp Genetics (formerly Invitae), Labcorp and Counsyl); PubMed 25894915 (cited by Labcorp Genetics (formerly Invitae), Labcorp and Counsyl); PubMed 26666653 (cited by Labcorp Genetics (formerly Invitae), Labcorp and Women's Health and Genetics/Laboratory Corporation of America, LabCorp); PubMed 2014036 (cited by Labcorp Genetics (formerly Invitae), Labcorp); PubMed 10479481 (cited by Labcorp Genetics (formerly Invitae), Labcorp); PubMed 23500595 (cited by Labcorp Genetics (formerly Invitae), Labcorp); PubMed 24368688 (cited by Labcorp Genetics (formerly Invitae), Labcorp); PubMed 25596310 (cited by 3 submitters); PubMed 23932990 (cited by Quest Diagnostics Nichols Institute San Juan Capistrano and Counsyl); PubMed 21307867 (cited by Quest Diagnostics Nichols Institute San Juan Capistrano and Counsyl); PubMed 17096675 (cited by Quest Diagnostics Nichols Institute San Juan Capistrano and Counsyl); PubMed 10394930 (cited by Quest Diagnostics Nichols Institute San Juan Capistrano and Counsyl); PubMed 17924342 (cited by Counsyl); PubMed 8222245 (cited by Counsyl).